The following is an entry in ClinVar:

ClinVar aggregate classification (germline): Conflicting classifications of pathogenicity. Review status: criteria provided, conflicting classifications (1 of 4 stars). 2 submissions from 2 submitters: Uncertain significance (1); Likely benign (1). Last evaluated 2024-11-16.

Conditions:
Ichthyosis, annular epidermolytic 1. Identifiers: MedGen CN324065, MONDO:0100303, OMIM 607602.
Epidermolytic hyperkeratosis 2A, autosomal dominant (EHK2A). Identifiers: MedGen C5882671, MONDO:0700248, OMIM 620150.
Epidermolytic hyperkeratosis 2B, autosomal recessive (EHK2B). Identifiers: MedGen C5882753, MONDO:0700245, OMIM 620707.
Congenital reticular ichthyosiform erythroderma (IWC). Also called: ICHTHYOSIS WITH CONFETTI. Identifiers: Orphanet 281190, MedGen C3665704, MONDO:0012208, OMIM 609165.
Ichthyosis hystrix gravior. Also called: Ichthyosis histrix, Lambert type. Identifiers: MedGen C0432311, MONDO:0007809, OMIM 146600.
KRT10-related disorder. Also called: KRT10-related condition.

gnomAD v4.1: 269 of 1,552,514 alleles (0.017%); highest among the groups gnomAD compares: South Asian, 0.29%; 3 homozygotes.

Submissions (2):

PreventionGenetics, part of Exact Sciences
Classification: Likely benign for KRT10-related condition. Last evaluated: 2024-11-16. Review status: criteria provided, single submitter. Criteria: ACMG Guidelines, 2015. Collection method: clinical testing. Allele origin: germline.
Comment: This variant is classified as likely benign based on ACMG/AMP sequence variant interpretation guidelines (Richards et al. 2015 PMID: 25741868, with internal and published modifications).

Department of Pathology and Laboratory Medicine, Sinai Health System
Classification: Uncertain significance for Ichthyosis hystrix gravior; Ichthyosis, annular epidermolytic 1; Congenital reticular ichthyosiform erythroderma; Epidermolytic hyperkeratosis 2A, autosomal dominant; Epidermolytic hyperkeratosis 2B, autosomal recessive. Last evaluated: 2022-02-17. Review status: criteria provided, single submitter. Criteria: ACMG Guidelines, 2015. Collection method: research. Allele origin: germline.

NM_000421.5(KRT10):c.1676G>T (p.Gly559Val)

Gene: KRT10 (keratin 10; minus strand). Cytogenetic location: 17q21.2.
Variant type: single nucleotide variant.
Coding change: c.1676G>T on transcript NM_000421.5 (MANE Select); coding-DNA position 1676, G replaced by T.
Protein change: p.Gly559Val; replaces glycine 559 with valine.
Molecular consequence: missense variant.
Genome position (GRCh38, 1-based): chr17:40,818,859, C>A on the plus strand (G>T on the coding strand, the complement: KRT10 is on the minus strand). VCF-style: chr17-40818859-C-A. GRCh37 (hg19) VCF-style: chr17-38975111-C-A.
Other names: c.1676G>T (NM_000421.3); c.1676G>T, p.Gly559Val (NM_001379366.1); short protein forms G559V.
Identifiers: ClinVar variation 3891517 (VCV003891517.2).
Genomic context (GRCh38, chr17:40,818,859, plus strand): 5'-GATGAAGACTCGCCCACGGACCCGGAAGAGGAGGACTTGTGGCCTCCGCTGGAGCTGCCG[C>A]CGCCGTATCCGCCGCCGGAGCTGCTGCCGCCGCCGGAGCTGCCGCCCCCGTAGCCGCCGC-3'
Protein context (NP_000412.4, residues 549-569): GGSSSGGGYG[Gly559Val]GSSSGGHKSS